The following is an entry in ClinVar:

ClinVar aggregate classification (germline): Uncertain significance (1 of 4 stars; one submission).

Conditions:
Long QT syndrome (LQTS). Identifiers: MedGen C0023976, MeSH D008133, MONDO:0002442. Disease mechanism: loss of function. Inheritance: Various modes of inheritance.

Allele frequency attached by ClinVar (database versions not stated): TOPMed below 0.00001.
gnomAD v4.1: 2 of 1,589,176 alleles (0.00013%); highest among the groups gnomAD compares: East Asian, 0.0023%; no homozygotes.

Submission:

Labcorp Genetics (formerly Invitae), Labcorp
Classification: Uncertain significance for Long QT syndrome. Last evaluated: 2022-08-10. Review status: criteria provided, single submitter. Criteria: Invitae Variant Classification Sherloc (09022015). Collection method: clinical testing. Allele origin: germline.
Comment: In summary, the available evidence is currently insufficient to determine the role of this variant in disease. Therefore, it has been classified as a Variant of Uncertain Significance. Algorithms developed to predict the effect of missense changes on protein structure and function are either unavailable or do not agree on the potential impact of this missense change (SIFT: "Deleterious"; PolyPhen-2: "Benign"; Align-GVGD: "Class C0"). ClinVar contains an entry for this variant (Variation ID: 1063296). This variant has not been reported in the literature in individuals affected with KCNH2-related conditions. The frequency data for this variant in the population databases is considered unreliable, as metrics indicate poor data quality at this position in the gnomAD database. This sequence change replaces glutamine, which is neutral and polar, with arginine, which is basic and polar, at codon 11 of the KCNH2 protein (p.Gln11Arg).

NM_000238.4(KCNH2):c.32A>G (p.Gln11Arg)

Gene: KCNH2 (potassium voltage-gated channel subfamily H member 2; minus strand). Cytogenetic location: 7q36.1.
Variant type: single nucleotide variant.
Coding change: c.32A>G on transcript NM_000238.4 (MANE Select); coding-DNA position 32, A replaced by G.
Protein change: p.Gln11Arg; replaces glutamine 11 with arginine.
Molecular consequence: missense variant.
Genome position (GRCh38, 1-based): chr7:150,977,882, T>C on the plus strand (A>G on the coding strand, the complement: KCNH2 is on the minus strand). VCF-style: chr7-150977882-T-C. GRCh37 (hg19) VCF-style: chr7-150674970-T-C.
Other names: c.32A>G, p.Gln11Arg (NM_172056.3); short protein forms Q11R.
Identifiers: ClinVar variation 1063296 (VCV001063296.10), dbSNP rs1156510876, ClinGen allele CA369866733.